The following is an entry in ClinVar:

NM_032043.3(BRIP1):c.2906-15T>A

Gene: BRIP1 (BRCA1 interacting DNA helicase 1; minus strand). Cytogenetic location: 17q23.2.
Variant type: single nucleotide variant.
Coding change: c.2906-15T>A on transcript NM_032043.3 (MANE Select); 15 bases into the intron before coding-DNA position 2906, T replaced by A.
Molecular consequence: intron variant.
Genome position (GRCh38, 1-based): chr17:61,684,155, A>T on the plus strand (T>A on the coding strand, the complement: BRIP1 is on the minus strand). VCF-style: chr17-61684155-A-T. GRCh37 (hg19) VCF-style: chr17-59761516-A-T.
Identifiers: ClinVar variation 380249 (VCV000380249.21), dbSNP rs771068891, ClinGen allele CA8690425.

ClinVar aggregate classification (germline): Likely benign. Review status: criteria provided, multiple submitters, no conflicts (2 of 4 stars). 4 submissions from 4 submitters: Likely benign (4). Last evaluated 2025-12-22.

Conditions:
Familial cancer of breast. Also called: Hereditary breast cancer; BREAST CANCER, FAMILIAL; hereditary breast carcinoma. Identifiers: Orphanet 227535, MedGen C0346153, MONDO:0016419, OMIM 114480. Disease mechanism: loss of function.
Fanconi anemia complementation group J. Also called: BRIP1-Related Fanconi Anemia. Identifiers: Orphanet 84, MedGen C1836860, MONDO:0012187, OMIM 609054.
Hereditary cancer-predisposing syndrome. Also called: Hereditary neoplastic syndrome; Tumor predisposition; Neoplastic Syndromes, Hereditary; Hereditary Cancer Syndrome. Identifiers: Orphanet 140162, MedGen C0027672, MeSH D009386, MONDO:0015356.

Allele frequency attached by ClinVar (database versions not stated): ExAC 0.00001; gnomAD 0.00001; TOPMed 0.00001.
gnomAD v4.1: 55 of 1,611,094 alleles (0.0034%); highest among the groups gnomAD compares: Non-Finnish European, 0.0044%; no homozygotes.

Submissions (4):

Labcorp Genetics (formerly Invitae), Labcorp
Classification: Likely benign for Familial cancer of breast; Fanconi anemia complementation group J. Last evaluated: 2025-12-22. Review status: criteria provided, single submitter. Criteria: Invitae Variant Classification Sherloc (09022015). Collection method: clinical testing. Allele origin: germline.

Center for Genomic Medicine, Rigshospitalet, Copenhagen University Hospital
Classification: Likely benign. Last evaluated: 2025-03-04. Review status: criteria provided, single submitter. Criteria: ACMG Guidelines, 2015. Collection method: clinical testing. Allele origin: germline.

GeneDx
Classification: Likely benign. Last evaluated: 2017-06-29. Review status: criteria provided, single submitter. Criteria: GeneDx Variant Classification (06012015). Collection method: clinical testing. Allele origin: germline. Affected: yes.
Comment: This variant is considered likely benign or benign based on one or more of the following criteria: it is a conservative change, it occurs at a poorly conserved position in the protein, it is predicted to be benign by multiple in silico algorithms, and/or has population frequency not consistent with disease.

Color Diagnostics, LLC DBA Color Health
Classification: Likely benign for Hereditary cancer-predisposing syndrome. Last evaluated: 2017-02-02. Review status: criteria provided, single submitter. Criteria: ACMG Guidelines, 2015. Collection method: clinical testing. Allele origin: germline.